The following is an entry in ClinVar:

NM_130837.3(OPA1):c.2429G>C (p.Arg810Pro)

Gene: OPA1 (OPA1 mitochondrial dynamin like GTPase; plus strand). Cytogenetic location: 3q29.
Variant type: single nucleotide variant.
Coding change: c.2429G>C on transcript NM_130837.3 (MANE Select); coding-DNA position 2429, G replaced by C.
Protein change: p.Arg810Pro; replaces arginine 810 with proline.
Molecular consequence: missense variant.
Genome position (GRCh38, 1-based): chr3:193,658,984, G>C. VCF-style: chr3-193658984-G-C. GRCh37 (hg19) VCF-style: chr3-193376773-G-C.
Other names: c.1895G>C, p.Arg632Pro (NM_001354663.2); c.1892G>C, p.Arg631Pro (NM_001354664.2); c.2264G>C, p.Arg755Pro (NM_015560.3); c.2156G>C, p.Arg719Pro (NM_130831.3); c.2210G>C, p.Arg737Pro (NM_130832.3); c.2267G>C, p.Arg756Pro (NM_130833.3); c.2318G>C, p.Arg773Pro (NM_130834.3); c.2321G>C, p.Arg774Pro (NM_130835.3); and 1 more; short protein forms R719P, R756P, R773P, R755P, R774P, R737P, R792P, R631P.
Identifiers: ClinVar variation 3658732 (VCV003658732.2).

ClinVar aggregate classification (germline): Uncertain significance (1 of 4 stars; one submission).

Submission:

Labcorp Genetics (formerly Invitae), Labcorp
Classification: Uncertain significance. Last evaluated: 2024-07-27. Review status: criteria provided, single submitter. Criteria: Invitae Variant Classification Sherloc (09022015). Collection method: clinical testing. Allele origin: germline.
Comment: This sequence change replaces arginine, which is basic and polar, with proline, which is neutral and non-polar, at codon 755 of the OPA1 protein (p.Arg755Pro). This variant is not present in population databases (gnomAD no frequency). This variant has not been reported in the literature in individuals affected with OPA1-related conditions. Advanced modeling of protein sequence and biophysical properties (such as structural, functional, and spatial information, amino acid conservation, physicochemical variation, residue mobility, and thermodynamic stability) has been performed at Invitae for this missense variant, however the output from this modeling did not meet the statistical confidence thresholds required to predict the impact of this variant on OPA1 protein function. In summary, the available evidence is currently insufficient to determine the role of this variant in disease. Therefore, it has been classified as a Variant of Uncertain Significance.